The following is an entry in ClinVar:

ClinVar aggregate classification (germline): Conflicting classifications of pathogenicity. Review status: criteria provided, conflicting classifications (1 of 4 stars). 2 submissions from 2 submitters: Uncertain significance (1); Likely benign (1). Last evaluated 2026-02-23.

Conditions:
PCNT-related disorder. Also called: PCNT-related condition.

Allele frequency attached by ClinVar (database versions not stated): TOPMed 0.00001.
gnomAD v4.1: 124 of 1,613,084 alleles (0.0077%); highest among the groups gnomAD compares: South Asian, 0.047%; 1 homozygote.

Submissions (2):

PreventionGenetics, part of Exact Sciences
Classification: Uncertain significance for PCNT-related condition. Last evaluated: 2026-02-23. Review status: criteria provided, single submitter. Criteria: ACMG Guidelines, 2015. Collection method: clinical testing. Allele origin: germline.
Comment: The PCNT c.9758G>A variant is predicted to result in the amino acid substitution p.Arg3253Gln. To our knowledge, this variant has not been reported in the literature. This variant is reported in 0.072% of alleles in individuals of South Asian descent in gnomAD, which may be too frequent to be a primary cause of disease. Although we suspect that this variant may be benign, at this time, the clinical significance of this variant is uncertain due to the absence of conclusive functional and genetic evidence.

Labcorp Genetics (formerly Invitae), Labcorp
Classification: Likely benign. Last evaluated: 2026-02-01. Review status: criteria provided, single submitter. Criteria: Invitae Variant Classification Sherloc (09022015). Collection method: clinical testing. Allele origin: germline.

NM_006031.6(PCNT):c.9758G>A (p.Arg3253Gln)

Gene: PCNT (pericentrin; plus strand). Cytogenetic location: 21q22.3.
Variant type: single nucleotide variant.
Coding change: c.9758G>A on transcript NM_006031.6 (MANE Select); coding-DNA position 9758, G replaced by A.
Protein change: p.Arg3253Gln; replaces arginine 3253 with glutamine.
Molecular consequence: missense variant.
Genome position (GRCh38, 1-based): chr21:46,443,867, G>A. VCF-style: chr21-46443867-G-A. GRCh37 (hg19) VCF-style: chr21-47863780-G-A.
Other names: c.9167G>A, p.Arg3056Gln (NM_001315529.2); c.9758G>A (NM_006031.5); short protein forms R3056Q, R3253Q.
Identifiers: ClinVar variation 2732035 (VCV002732035.4), dbSNP rs559836256, ClinGen allele CA10081470.